The following is an entry in ClinVar:

ClinVar aggregate classification (germline): Pathogenic (1 of 4 stars; one submission).

Submission:

Labcorp Genetics (formerly Invitae), Labcorp
Classification: Pathogenic. Last evaluated: 2022-02-23. Review status: criteria provided, single submitter. Criteria: Invitae Variant Classification Sherloc (09022015). Collection method: clinical testing. Allele origin: germline.
Comment: For these reasons, this variant has been classified as Pathogenic. This sequence change creates a premature translational stop signal (p.Gly370Profs*55) in the KCNV2 gene. It is expected to result in an absent or disrupted protein product. Loss-of-function variants in KCNV2 are known to be pathogenic (PMID: 16909397, 18235024). This variant is not present in population databases (gnomAD no frequency). This variant has not been reported in the literature in individuals affected with KCNV2-related conditions.

Literature cited by the submitters: PubMed 16909397; PubMed 18235024.

NM_133497.4(KCNV2):c.1108_1195del (p.Gly370fs)

Gene: KCNV2 (potassium voltage-gated channel modifier subfamily V member 2; plus strand). Cytogenetic location: 9p24.2.
Variant type: Deletion.
Coding change: c.1108_1195del on transcript NM_133497.4 (MANE Select); coding-DNA positions 1108 to 1195, 88 bases deleted.
Protein change: p.Gly370fs; shifts the reading frame from glycine 370.
Molecular consequence: frameshift variant.
Genome position (GRCh38, 1-based): chr9:2,718,847-2,718,934, 88 bases deleted. GRCh37 (hg19): chr9:2,718,847-2,718,934.
Other names: short protein forms G370fs.
Identifiers: ClinVar variation 2102755 (VCV002102755.4), dbSNP rs2536973791, ClinGen allele CA2580080205.